The following is an entry in ClinVar:

NM_003238.6(TGFB2):c.716T>A (p.Ile239Asn)

Gene: TGFB2 (transforming growth factor beta 2; plus strand). Cytogenetic location: 1q41.
Variant type: single nucleotide variant.
Coding change: c.716T>A on transcript NM_003238.6 (MANE Select); coding-DNA position 716, T replaced by A.
Protein change: p.Ile239Asn; replaces isoleucine 239 with asparagine.
Molecular consequence: missense variant. On other transcripts: non-coding transcript variant (2).
Genome position (GRCh38, 1-based): chr1:218,434,410, T>A. VCF-style: chr1-218434410-T-A. GRCh37 (hg19) VCF-style: chr1-218607752-T-A.
Other names: c.800T>A, p.Ile267Asn (NM_001135599.4); short protein forms I239N, I267N.
Identifiers: ClinVar variation 4076484 (VCV004076484.1).
Genomic context (GRCh38, chr1:218,434,410, plus strand): 5'-GATTTAAAATAAGCTTACACTGTCCCTGCTGCACTTTTGTACCATCTAATAATTACATCA[T>A]CCCAAATAAAAGTGAAGAACTAGAAGCAAGATTTGCAGGTAACCAAAACTTGGTCATATG-3'
Protein context (NP_003229.1, residues 229-249): CTFVPSNNYI[Ile239Asn]PNKSEELEAR

ClinVar aggregate classification (germline): Uncertain significance (1 of 4 stars; one submission).

Conditions:
Cardiovascular phenotype. Identifiers: MedGen CN230736.

Submission:

Molecular Diagnostic Laboratory for Inherited Cardiovascular Disease, Montreal Heart Institute
Classification: Uncertain significance for Cardiovascular phenotype. Last evaluated: 2025-07-24. Review status: criteria provided, single submitter. Criteria: ACMG Guidelines, 2015. Collection method: clinical testing. Allele origin: germline. Affected: yes.
Comment: PM2, PP3